The following is an entry in ClinVar:

ClinVar aggregate classification (germline): Uncertain significance (1 of 4 stars; one submission).

Submission:

Ambry Genetics
Classification: Uncertain significance. Last evaluated: 2024-05-14. Review status: criteria provided, single submitter. Criteria: Ambry Variant Classification Scheme 2023. Collection method: clinical testing. Allele origin: germline.
Comment: The p.R860P variant (also known as c.2579G>C), located in coding exon 16 of the POLQ gene, results from a G to C substitution at nucleotide position 2579. The arginine at codon 860 is replaced by proline, an amino acid with dissimilar properties. This amino acid position is conserved. In addition, the in silico prediction for this alteration is inconclusive. Since supporting evidence is limited at this time, the clinical significance of this alteration remains unclear.

NM_199420.4(POLQ):c.2579G>C (p.Arg860Pro)

Gene: POLQ (DNA polymerase theta; minus strand). Cytogenetic location: 3q13.33.
Variant type: single nucleotide variant.
Coding change: c.2579G>C on transcript NM_199420.4 (MANE Select); coding-DNA position 2579, G replaced by C.
Protein change: p.Arg860Pro; replaces arginine 860 with proline.
Molecular consequence: missense variant.
Genome position (GRCh38, 1-based): chr3:121,490,352, C>G on the plus strand (G>C on the coding strand, the complement: POLQ is on the minus strand). VCF-style: chr3-121490352-C-G. GRCh37 (hg19) VCF-style: chr3-121209199-C-G.
Other names: short protein forms R860P.
Identifiers: ClinVar variation 1793340 (VCV001793340.3), dbSNP rs1365547447, ClinGen allele CA354105804.